The following is an entry in ClinVar:

ClinVar aggregate classification (germline): Conflicting classifications of pathogenicity. Review status: criteria provided, conflicting classifications (1 of 4 stars). 2 submissions from 2 submitters: Likely pathogenic (1); Likely benign (1). Last evaluated 2025-01-13.

Allele frequency attached by ClinVar (database versions not stated): TOPMed below 0.00001; gnomAD 0.00001.

Submissions (2):

GeneDx
Classification: Likely pathogenic. Last evaluated: 2025-01-13. Review status: criteria provided, single submitter. Criteria: GeneDx Variant Classification Process June 2021. Collection method: clinical testing. Allele origin: germline. Affected: yes.
Comment: Canonical splice site variant predicted to result in a null allele in a gene for which loss of function is a known mechanism of disease; Not observed at significant frequency in large population cohorts (gnomAD); Has not been previously published as pathogenic or benign to our knowledge

Labcorp Genetics (formerly Invitae), Labcorp
Classification: Likely benign. Last evaluated: 2022-03-30. Review status: criteria provided, single submitter. Criteria: Invitae Variant Classification Sherloc (09022015). Collection method: clinical testing. Allele origin: germline.

NM_006766.5(KAT6A):c.2436+2dup

Gene: KAT6A (lysine acetyltransferase 6A; minus strand). Cytogenetic location: 8p11.21.
Variant type: Duplication.
Coding change: c.2436+2dup on transcript NM_006766.5 (MANE Select); the canonical splice donor site of the intron after coding-DNA position 2436, one base duplicated (T; older notation c.2436+2dupT).
Molecular consequence: splice donor variant. On other transcripts: frameshift variant (1).
Genome position (GRCh38, 1-based): chr8:41,942,791, A duplicated on the plus strand (T on the coding strand, the reverse complement: KAT6A is on the minus strand). VCF-style (leftmost placement, unchanged base first): chr8-41942790-T-TA. GRCh37 (hg19) VCF-style: chr8-41800308-T-TA.
Other names: c.2438dup, p.Arg814fs (NM_001305878.2); short protein forms R814fs.
Identifiers: ClinVar variation 1566377 (VCV001566377.9), dbSNP rs1822202286, ClinGen allele CA1113170441.